The following is an entry in ClinVar:

NM_000535.7(PMS2):c.989-11T>C

Gene: PMS2 (PMS1 homolog 2, mismatch repair system component; minus strand). Cytogenetic location: 7p22.1.
Variant type: single nucleotide variant.
Coding change: c.989-11T>C on transcript NM_000535.7 (MANE Select); 11 bases into the intron before coding-DNA position 989, T replaced by C.
Molecular consequence: intron variant.
Genome position (GRCh38, 1-based): chr7:5,989,966, A>G on the plus strand (T>C on the coding strand, the complement: PMS2 is on the minus strand). VCF-style: chr7-5989966-A-G. GRCh37 (hg19) VCF-style: chr7-6029597-A-G.
Other names: c.671-11T>C (NM_001322008.2, NM_001406883.1, NM_001406903.1 and 2 more transcripts); c.680-11T>C (NM_001406881.1, NM_001406879.1, NM_001322015.2 and 5 more transcripts); c.584-11T>C (NM_001406895.1, NM_001322004.2, NM_001406889.1 and 16 more transcripts); c.218-11T>C (NM_001406911.1); c.583+2007T>C (NM_001322010.2, NM_001406906.1, NM_001406907.1); c.670+2007T>C (NM_001406902.1, NM_001406901.1); c.476-11T>C (NM_001406904.1, NM_001406905.1); c.416-11T>C (NM_001322013.2, NM_001406909.1); and 13 more.
Identifiers: ClinVar variation 3903774 (VCV003903774.1).

ClinVar aggregate classification (germline): Likely benign (1 of 4 stars; one submission).

Conditions:
Lynch syndrome 4 (LYNCH4). Also called: Colorectal cancer, hereditary nonpolyposis, type 4; Hereditary non-polyposis colorectal cancer, type 4. Identifiers: Orphanet 144, MedGen C1838333, MONDO:0013699, OMIM 614337. Disease mechanism: loss of function.

Submission:

Myriad Genetics, Inc.
Classification: Likely benign for Lynch syndrome 4. Last evaluated: 2025-01-29. Review status: criteria provided, single submitter. Criteria: Myriad Autosomal Dominant, Autosomal Recessive and X-Linked Classification Criteria (2023). Collection method: clinical testing. Allele origin: unknown.
Comment: This variant is considered likely benign. This variant is intronic and is not expected to impact mRNA splicing.